The following is an entry in ClinVar:

NM_001195263.2(PDZD7):c.82C>T (p.Arg28Ter)

Gene: PDZD7 (PDZ domain containing 7; minus strand). Cytogenetic location: 10q24.31.
Variant type: single nucleotide variant.
Coding change: c.82C>T on transcript NM_001195263.2 (MANE Select); coding-DNA position 82, C replaced by T.
Protein change: p.Arg28Ter; replaces arginine 28 with a stop codon.
Molecular consequence: nonsense.
Genome position (GRCh38, 1-based): chr10:101,030,138, G>A on the plus strand (C>T on the coding strand, the complement: PDZD7 is on the minus strand). VCF-style: chr10-101030138-G-A. GRCh37 (hg19) VCF-style: chr10-102789895-G-A.
Other names: c.82C>T, p.Arg28Ter (NM_001351044.2, NM_001437429.1, NM_024895.5); short protein forms R28*.
Identifiers: ClinVar variation 4851940 (VCV004851940.1).

ClinVar aggregate classification (germline): Pathogenic (1 of 4 stars; one submission).

gnomAD v4.1: 3 of 1,614,018 alleles (0.00019%); highest among the groups gnomAD compares: South Asian, 0.0011%; no homozygotes.

Submission:

Dasa
Classification: Pathogenic. Last evaluated: 2025-01-28. Review status: criteria provided, single submitter. Criteria: DASA Assertion Criteria. Collection method: clinical testing. Allele origin: germline.
Comment: NM_001195263.2(PDZD7):c.82C>T (p.Arg28*) introduces a premature termination codon predicted to result in loss of normal protein function. Loss-of-function is an established mechanism of disease for this gene. The variant is present at low frequency in population datasets. Based on the available data, this variant is classified as pathogenic.